The following is an entry in ClinVar:

NM_032043.3(BRIP1):c.3694A>C (p.Lys1232Gln)

Gene: BRIP1 (BRCA1 interacting DNA helicase 1; minus strand). Cytogenetic location: 17q23.2.
Variant type: single nucleotide variant.
Coding change: c.3694A>C on transcript NM_032043.3 (MANE Select); coding-DNA position 3694, A replaced by C.
Protein change: p.Lys1232Gln; replaces lysine 1232 with glutamine.
Molecular consequence: missense variant.
Genome position (GRCh38, 1-based): chr17:61,683,352, T>G on the plus strand (A>C on the coding strand, the complement: BRIP1 is on the minus strand). VCF-style: chr17-61683352-T-G. GRCh37 (hg19) VCF-style: chr17-59760713-T-G.
Other names: short protein forms K1232Q.
Identifiers: ClinVar variation 4783566 (VCV004783566.2).

ClinVar aggregate classification (germline): Uncertain significance. Review status: criteria provided, multiple submitters, no conflicts (2 of 4 stars). 2 submissions from 2 submitters: Uncertain significance (2). Last evaluated 2026-07-07.

Conditions:
Fanconi anemia complementation group J. Also called: BRIP1-Related Fanconi Anemia. Identifiers: Orphanet 84, MedGen C1836860, MONDO:0012187, OMIM 609054.
Familial cancer of breast. Also called: BREAST CANCER, FAMILIAL; Hereditary breast cancer; hereditary breast carcinoma. Identifiers: Orphanet 227535, MedGen C0346153, MONDO:0016419, OMIM 114480. Disease mechanism: loss of function.
Hereditary cancer-predisposing syndrome. Also called: Hereditary Cancer Syndrome; Hereditary neoplastic syndrome; Neoplastic Syndromes, Hereditary; Tumor predisposition. Identifiers: Orphanet 140162, MedGen C0027672, MeSH D009386, MONDO:0015356.

Submissions (2):

Ambry Genetics
Classification: Uncertain significance for Hereditary cancer-predisposing syndrome. Last evaluated: 2026-07-07. Review status: criteria provided, single submitter. Criteria: Ambry Variant Classification Scheme 2023. Collection method: clinical testing. Allele origin: germline.
Comment: The p.K1232Q variant (also known as c.3694A>C), located in coding exon 19 of the BRIP1 gene, results from an A to C substitution at nucleotide position 3694. The lysine at codon 1232 is replaced by glutamine, an amino acid with similar properties. This amino acid position is conserved. In addition, this alteration is predicted to be tolerated by in silico analysis. Based on the available evidence, the clinical significance of this variant remains unclear.

Labcorp Genetics (formerly Invitae), Labcorp
Classification: Uncertain significance for Familial cancer of breast; Fanconi anemia complementation group J. Last evaluated: 2025-03-16. Review status: criteria provided, single submitter. Criteria: Invitae Variant Classification Sherloc (09022015). Collection method: clinical testing. Allele origin: germline.
Comment: This sequence change replaces lysine, which is basic and polar, with glutamine, which is neutral and polar, at codon 1232 of the BRIP1 protein (p.Lys1232Gln). This variant is not present in population databases (gnomAD no frequency). This variant has not been reported in the literature in individuals affected with BRIP1-related conditions. Invitae Evidence Modeling of protein sequence and biophysical properties (such as structural, functional, and spatial information, amino acid conservation, physicochemical variation, residue mobility, and thermodynamic stability) has been performed for this missense variant. However, the output from this modeling did not meet the statistical confidence thresholds required to predict the impact of this variant on BRIP1 protein function. In summary, the available evidence is currently insufficient to determine the role of this variant in disease. Therefore, it has been classified as a Variant of Uncertain Significance.